The following is an entry in ClinVar:

ClinVar aggregate classification (germline): Uncertain significance. Review status: criteria provided, multiple submitters, no conflicts (2 of 4 stars). 2 submissions from 2 submitters: Uncertain significance (2). Last evaluated 2024-04-14.

Submissions (2):

Quest Diagnostics Nichols Institute San Juan Capistrano
Classification: Uncertain significance. Last evaluated: 2024-04-14. Review status: criteria provided, single submitter. Criteria: Quest Diagnostics criteria. Collection method: clinical testing. Allele origin: unknown.

GeneDx
Classification: Uncertain significance. Last evaluated: 2019-08-05. Review status: criteria provided, single submitter. Criteria: GeneDx Variant Classification Process June 2021. Collection method: clinical testing. Allele origin: germline. Affected: yes.
Comment: Not observed in large population cohorts (Lek 2016); In silico analysis, which includes protein predictors and evolutionary conservation, supports that this variant does not alter protein structure/function; Has not been previously published as pathogenic or benign to our knowledge

NM_001042492.3(NF1):c.6728C>G (p.Ser2243Cys)

Gene: NF1 (neurofibromin 1; plus strand). Cytogenetic location: 17q11.2.
Variant type: single nucleotide variant.
Coding change: c.6728C>G on transcript NM_001042492.3 (MANE Select); coding-DNA position 6728, C replaced by G.
Protein change: p.Ser2243Cys; replaces serine 2243 with cysteine.
Molecular consequence: missense variant.
Genome position (GRCh38, 1-based): chr17:31,338,048, C>G. VCF-style: chr17-31338048-C-G. GRCh37 (hg19) VCF-style: chr17-29665066-C-G.
Other names: c.6665C>G, p.Ser2222Cys (NM_000267.4); short protein forms S2222C, S2243C.
Identifiers: ClinVar variation 1318854 (VCV001318854.3), dbSNP rs2151558088, ClinGen allele CA399014032.
Genomic context (GRCh38, chr17:31,338,048, plus strand): 5'-AAGGTTTTTATAAGTTCTGTGGATCTTTTAATTGCAGATTTGCATTCCAATATAATCCAT[C>G]CCTGCAACCAAGAGCTCTTGTTGTCTTTGGGTGTATTAGCAAACGAGTGTCTCATGGGCA-3'
Protein context (NP_001035957.1, residues 2233-2253): AQRFAFQYNP[Ser2243Cys]LQPRALVVFG